The following is an entry in ClinVar:

ClinVar aggregate classification (germline): Uncertain significance (1 of 4 stars; one submission).

Conditions:
Microcephaly, normal intelligence and immunodeficiency (NBS). Also called: Nijmegen breakage syndrome; Microcephaly with normal intelligence immunodeficiency and lymphoreticular malignancies; Nonsyndromal microcephaly autosomal recessive with normal intelligence; Seemanova syndrome 2; Ataxia telangiectasia variant V1; SEEMANOVA SYNDROME II. Identifiers: Orphanet 647, MedGen C0398791, MONDO:0009623, OMIM 251260.

Submission:

Labcorp Genetics (formerly Invitae), Labcorp
Classification: Uncertain significance for Microcephaly, normal intelligence and immunodeficiency. Last evaluated: 2020-10-23. Review status: criteria provided, single submitter. Criteria: Invitae Variant Classification Sherloc (09022015). Collection method: clinical testing. Allele origin: germline.
Comment: Algorithms developed to predict the effect of missense changes on protein structure and function are either unavailable or do not agree on the potential impact of this missense change (SIFT: "Deleterious"; PolyPhen-2: "Probably Damaging"; Align-GVGD: "Class C0"). In summary, the available evidence is currently insufficient to determine the role of this variant in disease. Therefore, it has been classified as a Variant of Uncertain Significance. This variant has not been reported in the literature in individuals with NBN-related conditions. This variant is not present in population databases (ExAC no frequency). This sequence change replaces phenylalanine with serine at codon 688 of the NBN protein (p.Phe688Ser). The phenylalanine residue is moderately conserved and there is a large physicochemical difference between phenylalanine and serine.

NM_002485.5(NBN):c.2063T>C (p.Phe688Ser)

Gene: NBN (nibrin; minus strand). Cytogenetic location: 8q21.3.
Variant type: single nucleotide variant.
Coding change: c.2063T>C on transcript NM_002485.5 (MANE Select); coding-DNA position 2063, T replaced by C.
Protein change: p.Phe688Ser; replaces phenylalanine 688 with serine.
Molecular consequence: missense variant.
Genome position (GRCh38, 1-based): chr8:89,946,147, A>G on the plus strand (T>C on the coding strand, the complement: NBN is on the minus strand). VCF-style: chr8-89946147-A-G. GRCh37 (hg19) VCF-style: chr8-90958375-A-G.
Other names: c.1817T>C, p.Phe606Ser (NM_001024688.3); short protein forms F688S, F606S.
Identifiers: ClinVar variation 1043858 (VCV001043858.8), dbSNP rs1563512800, ClinGen allele CA371676329.
Genomic context (GRCh38, chr8:89,946,147, plus strand): 5'-TCTCTAAAAACATTTCAAACACTGACCTCTTGTGATACAGTTGAAATACCTACCTTTTTG[A>G]ATTTCTTGAAATTTTTTAGTTGACCATAATCATCATTTATGCCAGATGGATTTCTGGAAG-3'
Protein context (NP_002476.2, residues 678-698): DYGQLKNFKK[Phe688Ser]KKVTYPGAGK